The following is an entry in ClinVar:

ClinVar aggregate classification (germline): Pathogenic (1 of 4 stars; one submission).

Conditions:
Alpha-1-antitrypsin deficiency (A1ATD). Also called: AAT deficiency; A1AT deficiency; Alpha1-Antitrypsin Deficiency. Identifiers: Orphanet 60, MedGen C0221757, MONDO:0013282, OMIM 613490.

Submission:

Labcorp Genetics (formerly Invitae), Labcorp
Classification: Pathogenic for Alpha-1-antitrypsin deficiency. Last evaluated: 2021-05-26. Review status: criteria provided, single submitter. Criteria: Invitae Variant Classification Sherloc (09022015). Collection method: clinical testing. Allele origin: germline.
Comment: A gross deletion of the genomic region encompassing the full coding sequence of the SERPINA1 gene has been identified. Loss-of-function variants in SERPINA1 are known to be pathogenic (PMID: 25425243). The boundaries of this event are unknown as they extend beyond the assayed region for this gene and therefore may encompass additional genes. This variant has not been reported in the literature in individuals with SERPINA1-related conditions. For these reasons, this variant has been classified as Pathogenic.

Literature cited by the submitters: PubMed 25425243.

NC_000014.8:g.(?_94843455)_(94854896_?)del

Gene: SERPINA1 (serpin family A member 1; minus strand). Cytogenetic location: 14q32.13.
Variant type: Deletion.
Identifiers: ClinVar variation 1454847 (VCV001454847.3).